The following is an entry in ClinVar:

NM_005993.5(TBCD):c.2234C>T (p.Pro745Leu)

Gene: TBCD (tubulin folding cofactor D). Cytogenetic location: 17q25.3.
Variant type: single nucleotide variant.
Coding change: c.2234C>T on transcript NM_005993.5 (MANE Select); coding-DNA position 2234, C replaced by T.
Protein change: p.Pro745Leu; replaces proline 745 with leucine.
Molecular consequence: missense variant.
Genome position (GRCh38, 1-based): chr17:82,923,707, C>T. VCF-style: chr17-82923707-C-T. GRCh37 (hg19) VCF-style: chr17-80881583-C-T.
Other names: p.Pro745Leu; c.2183C>T, p.Pro728Leu (NM_001411101.1); c.2153C>T, p.Pro718Leu (NM_001411102.1); short protein forms P718L, P728L, P745L.
Identifiers: ClinVar variation 2891668 (VCV002891668.2), dbSNP rs193159546, ClinGen allele CA8862993.

ClinVar aggregate classification (germline): Uncertain significance. Review status: criteria provided, multiple submitters, no conflicts (2 of 4 stars). 2 submissions from 2 submitters: Uncertain significance (2). Last evaluated 2025-12-12.

Allele frequency attached by ClinVar (database versions not stated): gnomAD 0.00005; TOPMed 0.00005; 1000 Genomes Project 0.00040; 1000 Genomes Project 30x 0.00047.
gnomAD v4.1: 50 of 1,599,318 alleles (0.0031%); highest among the groups gnomAD compares: Admixed American, 0.016%; no homozygotes.

Submissions (2):

Mayo Clinic Laboratories, Mayo Clinic
Classification: Uncertain significance. Last evaluated: 2025-12-12. Review status: criteria provided, single submitter. Criteria: ACMG Guidelines, 2015. Collection method: clinical testing. Allele origin: germline. Observed: 1 variant allele.
Comment: BP4_moderate

Labcorp Genetics (formerly Invitae), Labcorp
Classification: Uncertain significance. Last evaluated: 2024-01-22. Review status: criteria provided, single submitter. Criteria: Invitae Variant Classification Sherloc (09022015). Collection method: clinical testing. Allele origin: germline.
Comment: This sequence change replaces proline, which is neutral and non-polar, with leucine, which is neutral and non-polar, at codon 745 of the TBCD protein (p.Pro745Leu). The frequency data for this variant in the population databases is considered unreliable, as metrics indicate poor data quality at this position in the gnomAD database. This variant has not been reported in the literature in individuals affected with TBCD-related conditions. Advanced modeling of protein sequence and biophysical properties (such as structural, functional, and spatial information, amino acid conservation, physicochemical variation, residue mobility, and thermodynamic stability) has been performed at Invitae for this missense variant, however the output from this modeling did not meet the statistical confidence thresholds required to predict the impact of this variant on TBCD protein function. In summary, the available evidence is currently insufficient to determine the role of this variant in disease. Therefore, it has been classified as a Variant of Uncertain Significance.